The following is an entry in ClinVar:

NM_001166108.2(PALLD):c.2658G>C (p.Gln886His)

Genes: CBR4 (carbonyl reductase 4; minus strand), PALLD (palladin, cytoskeletal associated protein; plus strand). Cytogenetic location: 4q32.3.
Variant type: single nucleotide variant.
Coding change: c.2658G>C on transcript NM_001166108.2 (MANE Select); coding-DNA position 2658, G replaced by C.
Protein change: p.Gln886His; replaces glutamine 886 with histidine.
Molecular consequence: missense variant.
Genome position (GRCh38, 1-based): chr4:168,913,962, G>C. VCF-style: chr4-168913962-G-C. GRCh37 (hg19) VCF-style: chr4-169835113-G-C.
Other names: c.537G>C, p.Gln179His (NM_001367570.1, NM_001367568.1); c.2607G>C, p.Gln869His (NM_016081.4); c.1461G>C, p.Gln487His (NM_001166109.2); c.1146G>C, p.Gln382His (NM_001166110.2); c.486G>C, p.Gln162His (NM_001367567.1, NM_001367569.1); short protein forms Q179H, Q869H, Q886H, Q162H, Q382H, Q487H.
Identifiers: ClinVar variation 4130423 (VCV004130423.1).

ClinVar aggregate classification (germline): Uncertain significance (1 of 4 stars; one submission).

Submission:

Ambry Genetics
Classification: Uncertain significance. Last evaluated: 2025-08-04. Review status: criteria provided, single submitter. Criteria: Ambry Variant Classification Scheme 2023. Collection method: clinical testing. Allele origin: germline.
Comment: The p.Q382H variant (also known as c.1146G>C), located in coding exon 6 of the PALLD gene, results from a G to C substitution at nucleotide position 1146. The glutamine at codon 382 is replaced by histidine, an amino acid with highly similar properties. This amino acid position is conserved. In addition, the in silico prediction for this alteration is inconclusive. Based on the available evidence, the clinical significance of this variant remains unclear.